The following is an entry in ClinVar:

NM_004484.4(GPC3):c.23C>T (p.Ala8Val)

Gene: GPC3 (glypican 3; minus strand). Cytogenetic location: Xq26.2.
Variant type: single nucleotide variant.
Coding change: c.23C>T on transcript NM_004484.4 (MANE Select); coding-DNA position 23, C replaced by T.
Protein change: p.Ala8Val; replaces alanine 8 with valine.
Molecular consequence: missense variant.
Genome position (GRCh38, 1-based): chrX:133,985,427, G>A on the plus strand (C>T on the coding strand, the complement: GPC3 is on the minus strand). VCF-style: chrX-133985427-G-A. GRCh37 (hg19) VCF-style: chrX-133119454-G-A.
Other names: c.23C>T, p.Ala8Val (NM_001164617.2, NM_001164618.2, NM_001164619.2); short protein forms A8V.
Identifiers: ClinVar variation 1392703 (VCV001392703.6), dbSNP rs1322259717, ClinGen allele CA414707201.

ClinVar aggregate classification (germline): Uncertain significance (1 of 4 stars; one submission).

Conditions:
Wilms tumor 1 (WT1). Also called: Wilms tumor, somatic. Identifiers: Orphanet 654, MedGen CN033288, MONDO:0008679, OMIM 194070.

Submission:

Labcorp Genetics (formerly Invitae), Labcorp
Classification: Uncertain significance for Wilms tumor 1. Last evaluated: 2022-01-28. Review status: criteria provided, single submitter. Criteria: Invitae Variant Classification Sherloc (09022015). Collection method: clinical testing. Allele origin: germline.
Comment: This variant has not been reported in the literature in individuals affected with GPC3-related conditions. Algorithms developed to predict the effect of missense changes on protein structure and function (SIFT, PolyPhen-2, Align-GVGD) all suggest that this variant is likely to be tolerated. In summary, the available evidence is currently insufficient to determine the role of this variant in disease. Therefore, it has been classified as a Variant of Uncertain Significance. This variant is not present in population databases (gnomAD no frequency). This sequence change replaces alanine, which is neutral and non-polar, with valine, which is neutral and non-polar, at codon 8 of the GPC3 protein (p.Ala8Val).